The following is an entry in ClinVar:

NM_000264.5(PTCH1):c.2222C>T (p.Ala741Val)

Genes: PTCH1 (patched 1; minus strand), LOC100507346 (uncharacterized LOC100507346; plus strand). Cytogenetic location: 9q22.32.
Variant type: single nucleotide variant.
Coding change: c.2222C>T on transcript NM_000264.5 (MANE Select); coding-DNA position 2222, C replaced by T.
Protein change: p.Ala741Val; replaces alanine 741 with valine.
Molecular consequence: missense variant. On other transcripts: non-coding transcript variant (2).
Genome position (GRCh38, 1-based): chr9:95,468,779, G>A on the plus strand (C>T on the coding strand, the complement: PTCH1 is on the minus strand). VCF-style: chr9-95468779-G-A. GRCh37 (hg19) VCF-style: chr9-98231061-G-A.
Other names: p.A741V:GCT>GTT; c.2024C>T, p.Ala675Val (NM_001083602.3); c.2219C>T, p.Ala740Val (NM_001083603.3); c.1769C>T, p.Ala590Val (NM_001083604.3, NM_001083605.3, NM_001083606.3 and 1 more transcripts); c.2066C>T, p.Ala689Val (NM_001354918.2); short protein forms A675V, A741V, A590V, A740V, A689V.
Identifiers: ClinVar variation 135095 (VCV000135095.34), dbSNP rs2227971, ClinGen allele CA161666.

ClinVar aggregate classification (germline): Benign/Likely benign. Review status: criteria provided, multiple submitters, no conflicts (2 of 4 stars). 16 submissions from 15 submitters: Benign (7); Likely benign (6). 3 of the submissions do not count toward it. Last evaluated 2026-02-03.

Conditions:
Hereditary cancer-predisposing syndrome. Also called: Tumor predisposition; Hereditary neoplastic syndrome; Neoplastic Syndromes, Hereditary; Hereditary Cancer Syndrome. Identifiers: Orphanet 140162, MedGen C0027672, MeSH D009386, MONDO:0015356.
Holoprosencephaly 7 (HPE7). Identifiers: Orphanet 2162, MedGen C1835820, MONDO:0012562, OMIM 610828.
Gorlin syndrome. Also called: Nevoid Basal Cell Carcinoma Syndrome; Basal cell nevus syndrome. Identifiers: Orphanet 377, MedGen C0004779, MONDO:0007187.

Allele frequency attached by ClinVar (database versions not stated): ESP Exome Variant Server 0.00008; gnomAD exomes 0.00018 and 0.00070; gnomAD 0.00020 and 0.00026; TOPMed 0.00033; ExAC 0.00064; 1000 Genomes Project 0.00100; 1000 Genomes Project 30x 0.00141.
gnomAD v4.1: 346 of 1,614,234 alleles (0.021%); highest among the groups gnomAD compares: East Asian, 0.6%; 1 homozygote.

Submissions (16):

Labcorp Genetics (formerly Invitae), Labcorp
Classification: Benign for Gorlin syndrome. Last evaluated: 2026-02-03. Review status: criteria provided, single submitter. Criteria: Invitae Variant Classification Sherloc (09022015). Collection method: clinical testing. Allele origin: germline.

Center for Genomic Medicine, Rigshospitalet, Copenhagen University Hospital
Classification: Likely benign. Last evaluated: 2025-12-29. Review status: criteria provided, single submitter. Criteria: ACMG Guidelines, 2015. Collection method: clinical testing. Allele origin: germline.

Women's Health and Genetics/Laboratory Corporation of America, LabCorp
Classification: Likely benign. Last evaluated: 2025-07-29. Review status: criteria provided, single submitter. Criteria: LabCorp Variant Classification Summary - May 2015. Collection method: clinical testing. Allele origin: germline.
Comment: Variant summary: PTCH1 c.2222C>T (p.Ala741Val) results in a non-conservative amino acid change in the encoded protein sequence. Algorithms developed to predict the effect of missense changes on protein structure and function all suggest that this variant is likely to be disruptive. The variant allele was found at a frequency of 0.0007 in 251496 control chromosomes in the gnomAD database, including 1 homozygotes. The observed variant frequency is approximately 40.84 fold of the estimated maximal expected allele frequency for a pathogenic variant in PTCH1 causing Nevoid Basal Cell Carcinoma Syndrome (Gorlin Syndrome) phenotype (1.7e-05). To our knowledge, no occurrence of c.2222C>T in individuals affected with Nevoid Basal Cell Carcinoma Syndrome (Gorlin Syndrome) and no experimental evidence demonstrating its impact on protein function have been reported. ClinVar contains an entry for this variant (Variation ID: 135095). Based on the evidence outlined above, the variant was classified as likely benign.

Blueprint Genetics
Classification: Likely benign. Last evaluated: 2024-11-18. Review status: criteria provided, single submitter. Criteria: ACMG Guidelines, 2015. Collection method: clinical testing. Allele origin: germline.

KCCC/NGS Laboratory, Kuwait Cancer Control Center
Classification: Benign for Basal cell nevus syndrome 1. Last evaluated: 2023-07-07. Review status: criteria provided, single submitter. Criteria: ACMG Guidelines, 2015. Collection method: clinical testing. Allele origin: germline. Affected: yes.

Quest Diagnostics Nichols Institute San Juan Capistrano
Classification: Benign. Last evaluated: 2022-10-07. Review status: criteria provided, single submitter. Criteria: Quest Diagnostics criteria. Collection method: clinical testing. Allele origin: unknown.

Genetic Services Laboratory, University of Chicago
Classification: Likely benign. Last evaluated: 2021-06-28. Review status: criteria provided, single submitter. Criteria: ACMG Guidelines, 2015. Collection method: clinical testing. Allele origin: germline. Affected: no.

Sema4
Classification: Likely benign for Hereditary cancer-predisposing syndrome. Last evaluated: 2020-12-31. Review status: criteria provided, single submitter. Criteria: Sema4 Curation Guidelines. Collection method: curation. Allele origin: germline.

Ambry Genetics
Classification: Likely benign for Hereditary cancer-predisposing syndrome. Last evaluated: 2019-03-21. Review status: criteria provided, single submitter. Criteria: Ambry Variant Classification Scheme 2023. Collection method: clinical testing. Allele origin: germline.

Illumina Laboratory Services, Illumina
Classification: Benign for Holoprosencephaly 7. Last evaluated: 2018-01-13. Review status: criteria provided, single submitter. Criteria: ICSL Variant Classification Criteria 13 December 2019. Collection method: clinical testing. Allele origin: germline.
Comment: This variant was observed in the ICSL laboratory as part of a predisposition screen in an ostensibly healthy population. It had not been previously curated by ICSL or reported in the Human Gene Mutation Database (HGMD: prior to June 1st, 2018), and was therefore a candidate for classification through an automated scoring system. Utilizing variant allele frequency, disease prevalence and penetrance estimates, and inheritance mode, an automated score was calculated to assess if this variant is too frequent to cause the disease. Based on the score and internal cut-off values, a variant classified as benign is not then subjected to further curation. The score for this variant resulted in a classification of benign for this disease.

Illumina Laboratory Services, Illumina
Classification: Benign for Basal cell nevus syndrome 1. Last evaluated: 2018-01-13. Review status: criteria provided, single submitter. Criteria: ICSL Variant Classification Criteria 13 December 2019. Collection method: clinical testing. Allele origin: germline.
Comment: the same text as in the submission from Illumina Laboratory Services, Illumina above.

Oral and Maxillofacial Surgery, Tokyo Medical and Dental University
Classification: Benign for Gorlin syndrome. Last evaluated: 2015-09-28. Review status: criteria provided, single submitter. Criteria: Submitter's publication. Collection method: clinical testing. Allele origin: maternal. Affected: yes. Observed: 3 variant alleles. Clinical features observed: Keratocystic odontogenic tumors of jaws, Rib anomaly, Pits of palms and soles.

GeneDx
Classification: Benign. Last evaluated: 2014-01-13. Review status: criteria provided, single submitter. Criteria: GeneDx Variant Classification (06012015). Collection method: clinical testing. Allele origin: germline. Affected: yes.
Comment: This variant is considered likely benign or benign based on one or more of the following criteria: it is a conservative change, it occurs at a poorly conserved position in the protein, it is predicted to be benign by multiple in silico algorithms, and/or has population frequency not consistent with disease.

ITMI
No classification provided. Condition: AllHighlyPenetrant. Last evaluated: 2013-09-19. Review status: no classification provided. Collection method: reference population. Allele origin: germline. Not counted in ClinVar's aggregate classification.
Comment: Please see associated publication for description of ethnicities

Diagnostic Laboratory, Department of Genetics, University Medical Center Groningen
Classification: Likely benign. Review status: no assertion criteria provided. Collection method: clinical testing. Allele origin: germline. Affected: yes. Study: VKGL Data-share Consensus. Not counted in ClinVar's aggregate classification.

Genome Diagnostics Laboratory, Amsterdam University Medical Center
Classification: Likely benign. Review status: no assertion criteria provided. Collection method: clinical testing. Allele origin: germline. Affected: yes. Study: VKGL Data-share Consensus. Not counted in ClinVar's aggregate classification.

Literature cited by the submitters: PubMed 26544948 (cited by Quest Diagnostics Nichols Institute San Juan Capistrano and Ambry Genetics); PubMed 23951062 (cited by Ambry Genetics); PubMed 24728327 (cited by Ambry Genetics and ITMI).